The following is an entry in ClinVar:

ClinVar aggregate classification (germline): Uncertain significance (1 of 4 stars; one submission).

Conditions:
Hereditary cancer-predisposing syndrome. Also called: Neoplastic Syndromes, Hereditary; Hereditary Cancer Syndrome; Tumor predisposition; Hereditary neoplastic syndrome. Identifiers: Orphanet 140162, MedGen C0027672, MeSH D009386, MONDO:0015356.

Submission:

Ambry Genetics
Classification: Uncertain significance for Hereditary cancer-predisposing syndrome. Last evaluated: 2022-11-03. Review status: criteria provided, single submitter. Criteria: Ambry Variant Classification Scheme 2023. Collection method: clinical testing. Allele origin: germline.
Comment: The p.L112P variant (also known as c.335T>C), located in coding exon 3 of the XRCC2 gene, results from a T to C substitution at nucleotide position 335. The leucine at codon 112 is replaced by proline, an amino acid with similar properties. This amino acid position is conserved. In addition, this alteration is predicted to be deleterious by in silico analysis. Since supporting evidence is limited at this time, the clinical significance of this alteration remains unclear.

NM_005431.2(XRCC2):c.335T>C (p.Leu112Pro)

Gene: XRCC2 (X-ray repair cross complementing 2; minus strand). Cytogenetic location: 7q36.1.
Variant type: single nucleotide variant.
Coding change: c.335T>C on transcript NM_005431.2 (MANE Select); coding-DNA position 335, T replaced by C.
Protein change: p.Leu112Pro; replaces leucine 112 with proline.
Molecular consequence: missense variant.
Genome position (GRCh38, 1-based): chr7:152,649,150, A>G on the plus strand (T>C on the coding strand, the complement: XRCC2 is on the minus strand). VCF-style: chr7-152649150-A-G. GRCh37 (hg19) VCF-style: chr7-152346235-A-G.
Other names: short protein forms L112P.
Identifiers: ClinVar variation 2447652 (VCV002447652.2), dbSNP rs2485881595, ClinGen allele CA370198922.
Genomic context (GRCh38, chr7:152,649,150, plus strand): 5'-GAGTAAAGTGTAAGAAGTAAGTGGGTGCTACTACTGCAGTACACCAAAAAAAATCTTCCC[A>G]GGCAGTATTTGATTATTTCTTCAGAGCTTTGGGATAGTCTGTGCTCAAGAATTGTAACTA-3'
Protein context (NP_005422.1, residues 102-122): QSSEEIIKYC[Leu112Pro]GRFFLVYCSS